The following is an entry in ClinVar:

NC_000007.13:g.(?_21765562)_(21767028_?)del

Gene: DNAH11 (dynein axonemal heavy chain 11; plus strand). Cytogenetic location: 7p15.3.
Variant type: Deletion.
Identifiers: ClinVar variation 3245641 (VCV003245641.1).

ClinVar aggregate classification (germline): Likely pathogenic (1 of 4 stars; one submission).

Conditions:
Primary ciliary dyskinesia. Also called: Ciliary dyskinesia. Identifiers: Orphanet 244, MedGen C0008780, MONDO:0016575, HP:0012265.

Submission:

Labcorp Genetics (formerly Invitae), Labcorp
Classification: Likely pathogenic for Primary ciliary dyskinesia. Last evaluated: 2023-07-31. Review status: criteria provided, single submitter. Criteria: Invitae Variant Classification Sherloc (09022015). Collection method: clinical testing. Allele origin: unknown.
Comment: In summary, the currently available evidence indicates that the variant is pathogenic, but additional data are needed to prove that conclusively. Therefore, this variant has been classified as Likely Pathogenic. This variant has not been reported in the literature in individuals affected with DNAH11-related conditions. This variant results in the deletion of part of exon 45 (c.7400_7440+1426del) of the DNAH11 gene. It is expected to disrupt RNA splicing. Variants that disrupt the donor or acceptor splice site typically lead to a loss of protein function (PMID: 16199547), and loss-of-function variants in DNAH11 are known to be pathogenic (PMID: 18022865, 20513915, 22184204).

Literature cited by the submitters: PubMed 16199547; PubMed 18022865; PubMed 20513915; PubMed 22184204.